The following is an entry in ClinVar:

NM_000337.6(SGCD):c.175del (p.Val59fs)

Gene: SGCD (sarcoglycan delta; plus strand). Cytogenetic location: 5q33.3.
Variant type: Deletion.
Coding change: c.175del on transcript NM_000337.6 (MANE Select); coding-DNA position 175, one base deleted (G; older notation c.175delG).
Protein change: p.Val59fs; shifts the reading frame from valine 59.
Molecular consequence: frameshift variant.
Genome position (GRCh38, 1-based): chr5:156,344,660, G deleted. VCF-style (leftmost placement, unchanged base first): chr5-156344659-AG-A. GRCh37 (hg19) VCF-style: chr5-155771669-AG-A.
Other names: c.172del, p.Val58fs (NM_001128209.2); c.175del, p.Val59fs (NM_172244.3); short protein forms V58fs, V59fs.
Identifiers: ClinVar variation 5004198 (VCV005004198.1).

ClinVar aggregate classification (germline): Pathogenic (1 of 4 stars; one submission).

Conditions:
Autosomal recessive limb-girdle muscular dystrophy type 2F (LGMDR6). Also called: MUSCULAR DYSTROPHY, LIMB-GIRDLE, AUTOSOMAL RECESSIVE 6; Muscular dystrophy limb-girdle with delta-sarcoglyan deficiency. Identifiers: Orphanet 219, MedGen C1832525, MONDO:0011028, OMIM 601287. Disease mechanism: Affects gamma-sarcoglycan and also disrupts the integrity of the entire sarcoglycan complex..

Submission:

Myriad Genetics, Inc.
Classification: Pathogenic for Autosomal recessive limb-girdle muscular dystrophy type 2F. Last evaluated: 2025-09-30. Review status: criteria provided, single submitter. Criteria: Myriad Autosomal Dominant, Autosomal Recessive and X-Linked Classification Criteria (2023). Collection method: clinical testing. Allele origin: unknown.
Comment: NM_000337.5(SGCD):c.175delG(V59Sfs*2) is a frameshift variant classified as pathogenic in the context of delta-sarcoglycanopathy. V59Sfs*2 has not been observed in cases with relevant disease. Relevant functional assessments of this variant are not available in the literature. V59Sfs*2 has not been observed in referenced population frequency databases. In summary, NM_000337.5(SGCD):c.175delG(V59Sfs*2) is a frameshift variant in a gene where loss of function is a known mechanism of disease and is predicted to disrupt protein function. Please note: this variant was assessed in the context of healthy population screening.